The following is an entry in ClinVar:

NM_001184.4(ATR):c.146A>C (p.Asn49Thr)

Gene: ATR (ATR checkpoint kinase; minus strand). Cytogenetic location: 3q23.
Variant type: single nucleotide variant.
Coding change: c.146A>C on transcript NM_001184.4 (MANE Select); coding-DNA position 146, A replaced by C.
Protein change: p.Asn49Thr; replaces asparagine 49 with threonine.
Molecular consequence: missense variant.
Genome position (GRCh38, 1-based): chr3:142,568,068, T>G on the plus strand (A>C on the coding strand, the complement: ATR is on the minus strand). VCF-style: chr3-142568068-T-G. GRCh37 (hg19) VCF-style: chr3-142286910-T-G.
Other names: c.146A>C, p.Asn49Thr (NM_001354579.2); short protein forms N49T.
Identifiers: ClinVar variation 1773318 (VCV001773318.3), dbSNP rs2035131737, ClinGen allele CA354828901.

ClinVar aggregate classification (germline): Uncertain significance (1 of 4 stars; one submission).

Conditions:
Inborn genetic diseases. Identifiers: MedGen C0950123, MeSH D030342.

Allele frequency attached by ClinVar (database versions not stated): gnomAD exomes below 0.00001; gnomAD 0.00001.
gnomAD v4.1: 3 of 1,604,900 alleles (0.00019%); highest among the groups gnomAD compares: Non-Finnish European, 0.00026%; no homozygotes.

Submission:

Ambry Genetics
Classification: Uncertain significance for Inborn genetic diseases. Last evaluated: 2023-07-09. Review status: criteria provided, single submitter. Criteria: Ambry Variant Classification Scheme 2023. Collection method: clinical testing. Allele origin: germline.
Comment: The p.N49T variant (also known as c.146A>C), located in coding exon 2 of the ATR gene, results from an A to C substitution at nucleotide position 146. The asparagine at codon 49 is replaced by threonine, an amino acid with similar properties. This amino acid position is conserved. In addition, this alteration is predicted to be tolerated by in silico analysis. Since supporting evidence is limited at this time, the clinical significance of this alteration remains unclear.